The following is an entry in ClinVar:

ClinVar aggregate classification (germline): Uncertain significance (1 of 4 stars; one submission).

Conditions:
Familial hemophagocytic lymphohistiocytosis 5. Also called: STXBP2-Related Familial Hemophagocytic Lymphohistiocytosis (STXBP2-fHLH). Identifiers: Orphanet 540, MedGen C2751293, MONDO:0013135, OMIM 613101.

Submission:

Labcorp Genetics (formerly Invitae), Labcorp
Classification: Uncertain significance for Familial hemophagocytic lymphohistiocytosis 5. Last evaluated: 2023-12-01. Review status: criteria provided, single submitter. Criteria: Invitae Variant Classification Sherloc (09022015). Collection method: clinical testing. Allele origin: germline.
Comment: This sequence change replaces aspartic acid, which is acidic and polar, with glutamic acid, which is acidic and polar, at codon 501 of the STXBP2 protein (p.Asp501Glu). This variant is not present in population databases (gnomAD no frequency). This variant has not been reported in the literature in individuals affected with STXBP2-related conditions. Advanced modeling of protein sequence and biophysical properties (such as structural, functional, and spatial information, amino acid conservation, physicochemical variation, residue mobility, and thermodynamic stability) performed at Invitae indicates that this missense variant is not expected to disrupt STXBP2 protein function with a negative predictive value of 80%. In summary, the available evidence is currently insufficient to determine the role of this variant in disease. Therefore, it has been classified as a Variant of Uncertain Significance.

NM_006949.4(STXBP2):c.1503C>A (p.Asp501Glu)

Gene: STXBP2 (syntaxin binding protein 2; plus strand). Cytogenetic location: 19p13.2.
Variant type: single nucleotide variant.
Coding change: c.1503C>A on transcript NM_006949.4 (MANE Select); coding-DNA position 1503, C replaced by A.
Protein change: p.Asp501Glu; replaces aspartic acid 501 with glutamic acid.
Molecular consequence: missense variant. On other transcripts: non-coding transcript variant (1).
Genome position (GRCh38, 1-based): chr19:7,647,212, C>A. VCF-style: chr19-7647212-C-A. GRCh37 (hg19) VCF-style: chr19-7712098-C-A.
Other names: c.1494C>A, p.Asp498Glu (NM_001127396.3); c.1536C>A, p.Asp512Glu (NM_001272034.2); c.1407C>A, p.Asp469Glu (NM_001414484.1); short protein forms D469E, D512E, D498E, D501E.
Identifiers: ClinVar variation 2874649 (VCV002874649.3), dbSNP rs2512714466, ClinGen allele CA403161835.